The following is an entry in ClinVar:

ClinVar aggregate classification (germline): Pathogenic. Review status: criteria provided, multiple submitters, no conflicts (2 of 4 stars). 3 submissions from 3 submitters: Pathogenic (3). Last evaluated 2022-03-15.

Conditions:
Hereditary cancer-predisposing syndrome. Also called: Neoplastic Syndromes, Hereditary; Hereditary Cancer Syndrome; Hereditary neoplastic syndrome; Tumor predisposition. Identifiers: Orphanet 140162, MedGen C0027672, MeSH D009386, MONDO:0015356.
Cardiovascular phenotype. Identifiers: MedGen CN230736.
Neurofibromatosis, type 1 (NF1). Also called: Neurofibromatosis, type I; Peripheral type neurofibromatosis; VON RECKLINGHAUSEN DISEASE; NEUROFIBROMATOSIS, TYPE I, SOMATIC. Identifiers: Orphanet 636, MedGen C0027831, MONDO:0018975, OMIM 162200. Disease mechanism: loss of function.

Submissions (3):

Genome-Nilou Lab
Classification: Pathogenic for Neurofibromatosis, type 1. Last evaluated: 2022-03-15. Review status: criteria provided, single submitter. Criteria: ACMG Guidelines, 2015. Collection method: clinical testing. Allele origin: germline. Affected: no.

Labcorp Genetics (formerly Invitae), Labcorp
Classification: Pathogenic for Neurofibromatosis, type 1. Last evaluated: 2021-12-01. Review status: criteria provided, single submitter. Criteria: Invitae Variant Classification Sherloc (09022015). Collection method: clinical testing. Allele origin: germline.
Comment: This sequence change creates a premature translational stop signal (p.Pro2592Argfs*11) in the NF1 gene. It is expected to result in an absent or disrupted protein product. Loss-of-function variants in NF1 are known to be pathogenic (PMID: 10712197, 23913538). This variant is not present in population databases (gnomAD no frequency). This premature translational stop signal has been observed in individual(s) with clinical features of neurofibromatosis type 1 (PMID: 28068329, 30308447). This variant is also known as c.7774delC or c.7838_7838delC (p.Pro2613Argfsx11). ClinVar contains an entry for this variant (Variation ID: 827252). For these reasons, this variant has been classified as Pathogenic.

Ambry Genetics
Classification: Pathogenic for Cardiovascular phenotype; Hereditary cancer-predisposing syndrome. Last evaluated: 2018-10-02. Review status: criteria provided, single submitter. Criteria: Ambry Variant Classification Scheme 2023. Collection method: clinical testing. Allele origin: germline.
Comment: The c.7775delC pathogenic mutation, located in coding exon 52 of the NF1 gene, results from a deletion of one nucleotide at nucleotide position 7775, causing a translational frameshift with a predicted alternate stop codon (p.P2592Rfs*11). This alteration is expected to result in loss of function by premature protein truncation or nonsense-mediated mRNA decay. As such, this alteration is interpreted as a disease-causing mutation.

Literature cited by the submitters: PubMed 10712197 (cited by Labcorp Genetics (formerly Invitae), Labcorp); PubMed 23913538 (cited by Labcorp Genetics (formerly Invitae), Labcorp); PubMed 28068329 (cited by Labcorp Genetics (formerly Invitae), Labcorp); PubMed 30308447 (cited by Labcorp Genetics (formerly Invitae), Labcorp).

NM_001042492.3(NF1):c.7838del (p.Pro2613fs)

Gene: NF1 (neurofibromin 1; plus strand). Cytogenetic location: 17q11.2.
Variant type: Deletion.
Coding change: c.7838del on transcript NM_001042492.3 (MANE Select); coding-DNA position 7838, one base deleted (C; older notation c.7838delC).
Protein change: p.Pro2613fs; shifts the reading frame from proline 2613.
Molecular consequence: frameshift variant.
Genome position (GRCh38, 1-based): chr17:31,357,059, C deleted; the last of 2 consecutive C bases (chr17:31,357,058-31,357,059); deleting either gives the same sequence. VCF-style (leftmost placement, unchanged base first): chr17-31357057-TC-T. GRCh37 (hg19) VCF-style: chr17-29684075-TC-T.
Other names: c.7775delC (NM_000267.3); c.7775delC, p.Pro2592Argfs (NM_000267.4); short protein forms P2592fs, P2613fs.
Identifiers: ClinVar variation 827252 (VCV000827252.11), dbSNP rs1131691129, ClinGen allele CA915949897.